The following is an entry in ClinVar:

NM_015662.3(IFT172):c.2584dup (p.Asp862fs)

Genes: IFT172 (intraflagellar transport 172; minus strand), LOC126806174 (CDK7 strongly-dependent group 2 enhancer GRCh37_chr2:27681686-27682885; plus strand). Cytogenetic location: 2p23.3.
Variant type: Duplication.
Coding change: c.2584dup on transcript NM_015662.3 (MANE Select); coding-DNA position 2584, one base duplicated (G; older notation c.2584dupG).
Protein change: p.Asp862fs; shifts the reading frame from aspartic acid 862.
Molecular consequence: frameshift variant.
Genome position (GRCh38, 1-based): chr2:27,459,767, C duplicated on the plus strand (G on the coding strand, the reverse complement: IFT172 is on the minus strand); the first of 6 consecutive C bases (chr2:27,459,767-27,459,772); duplicating any one gives the same sequence. VCF-style (leftmost placement, unchanged base first): chr2-27459766-T-TC. GRCh37 (hg19) VCF-style: chr2-27682633-T-TC.
Other names: c.2513dup, p.Asp840Glyfs (NM_001410739.1); short protein forms D862fs.
Identifiers: ClinVar variation 2172085 (VCV002172085.6), dbSNP rs1489674192, ClinGen allele CA531765379.

ClinVar aggregate classification (germline): Pathogenic/Likely pathogenic. Review status: criteria provided, multiple submitters, no conflicts (2 of 4 stars). 3 submissions from 3 submitters: Pathogenic (1); Likely pathogenic (2). Last evaluated 2024-01-24.

Conditions:
Bardet-Biedl syndrome 20. Identifiers: MedGen C4310707, MONDO:0023670, OMIM 619471, MONDO:0014926.
Retinitis pigmentosa 71 (RP71). Identifiers: Orphanet 791, MedGen C4225342, MONDO:0014618, OMIM 616394.
Short-rib thoracic dysplasia 10 with or without polydactyly (SRTD10). Identifiers: Orphanet 474, MedGen C3810175, MONDO:0014284, OMIM 615630.
IFT172-related disorder. Also called: IFT172-related disorders; IFT172-related condition.

Submissions (3):

Fulgent Genetics
Classification: Likely pathogenic for Short-rib thoracic dysplasia 10 with or without polydactyly; Retinitis pigmentosa 71; Bardet-Biedl syndrome 20. Last evaluated: 2024-01-24. Review status: criteria provided, single submitter. Criteria: ACMG Guidelines, 2015. Collection method: clinical testing. Allele origin: germline.

Blueprint Genetics
Classification: Likely pathogenic for IFT172-related disorders. Last evaluated: 2023-10-09. Review status: criteria provided, single submitter. Criteria: ACMG Guidelines, 2015. Collection method: clinical testing. Allele origin: germline. Affected: yes. Observed: 3 variant alleles.

Labcorp Genetics (formerly Invitae), Labcorp
Classification: Pathogenic for Retinitis pigmentosa 71; Short-rib thoracic dysplasia 10 with or without polydactyly. Last evaluated: 2022-05-25. Review status: criteria provided, single submitter. Criteria: Invitae Variant Classification Sherloc (09022015). Collection method: clinical testing. Allele origin: germline.
Comment: For these reasons, this variant has been classified as Pathogenic. This variant has not been reported in the literature in individuals affected with IFT172-related conditions. This variant is not present in population databases (gnomAD no frequency). This sequence change creates a premature translational stop signal (p.Asp862Glyfs*10) in the IFT172 gene. It is expected to result in an absent or disrupted protein product. Loss-of-function variants in IFT172 are known to be pathogenic (PMID: 24140113).

Literature cited by the submitters: PubMed 24140113 (cited by Labcorp Genetics (formerly Invitae), Labcorp).